The following is an entry in ClinVar:

ClinVar aggregate classification (germline): Benign. Review status: criteria provided, multiple submitters, no conflicts (2 of 4 stars). 2 submissions from 2 submitters: Benign (2). Last evaluated 2018-06-18.

Allele frequency attached by ClinVar (database versions not stated): 1000 Genomes Project 0.40974; 1000 Genomes Project 30x 0.41427; gnomAD 0.44078 and 0.44669; TOPMed 0.44321.
gnomAD v4.1: 66,947 of 152,052 alleles (44%); highest among the groups gnomAD compares: African/African-American, 51%; 14,964 homozygotes.

Submissions (2):

GeneDx
Classification: Benign. Last evaluated: 2018-06-18. Review status: criteria provided, single submitter. Criteria: GeneDx Variant Classification (06012015). Collection method: clinical testing. Allele origin: germline. Affected: yes.
Comment: This variant is considered likely benign or benign based on one or more of the following criteria: it is a conservative change, it occurs at a poorly conserved position in the protein, it is predicted to be benign by multiple in silico algorithms, and/or has population frequency not consistent with disease.

Breakthrough Genomics
Classification: Benign. Review status: criteria provided, single submitter. Criteria: ACMG Guidelines, 2015. Collection method: not provided. Allele origin: germline. Inheritance: Autosomal dominant inheritance. Affected: yes.

NM_000093.5(COL5A1):c.3475-299A>G

Gene: COL5A1 (collagen type V alpha 1 chain; plus strand). Cytogenetic location: 9q34.3.
Variant type: single nucleotide variant.
Coding change: c.3475-299A>G on transcript NM_000093.5 (MANE Select); 299 bases into the intron before coding-DNA position 3475, A replaced by G.
Molecular consequence: intron variant.
Genome position (GRCh38, 1-based): chr9:134,809,956, A>G. VCF-style: chr9-134809956-A-G. GRCh37 (hg19) VCF-style: chr9-137701802-A-G.
Other names: c.3475-299A>G (NM_001278074.1).
Identifiers: ClinVar variation 683384 (VCV000683384.2), dbSNP rs3811153, ClinGen allele CA12975180.